The following is an entry in ClinVar:

NM_000548.5(TSC2):c.4299G>A (p.Ser1433=)

Gene: TSC2 (TSC complex subunit 2; plus strand). Cytogenetic location: 16p13.3.
Variant type: single nucleotide variant.
Coding change: c.4299G>A on transcript NM_000548.5 (MANE Select); coding-DNA position 4299, G replaced by A.
Protein change: p.Ser1433=; no amino-acid change (serine 1433 retained).
Molecular consequence: synonymous variant.
Genome position (GRCh38, 1-based): chr16:2,084,521, G>A. VCF-style: chr16-2084521-G-A. GRCh37 (hg19) VCF-style: chr16-2134522-G-A.
Other names: c.4098G>A, p.Ser1366= (NM_001077183.3); c.4230G>A, p.Ser1410= (NM_001114382.3); c.3990G>A, p.Ser1330= (NM_001318827.2); c.3954G>A, p.Ser1318= (NM_001318829.2); c.3567G>A, p.Ser1189= (NM_001318831.2); c.4131G>A, p.Ser1377= (NM_001318832.2); c.4101G>A, p.Ser1367= (NM_001363528.2); c.4167G>A, p.Ser1389= (NM_001370404.1); and 1 more.
Identifiers: ClinVar variation 468079 (VCV000468079.46), dbSNP rs749358180, ClinGen allele CA050807.
Genomic context (GRCh38, chr16:2,084,521, plus strand): 5'-GGTTAAGGCCCGGTCACAGTCAGGGACCCTGGACGGGGAAAGTGCTGCCTGGTCGGCCTC[G>A]GGCGAAGACAGTCGGGGCCAGCCCGAGGGTCCCTTGCCTTCCAGCTCCCCCCGCTCGCCC-3'
Protein context (NP_000539.2, residues 1423-1443): LDGESAAWSA[Ser1433=]GEDSRGQPEG

ClinVar aggregate classification (germline): Benign/Likely benign. Review status: criteria provided, multiple submitters, no conflicts (2 of 4 stars). 9 submissions from 9 submitters: Benign (4); Likely benign (5). Last evaluated 2026-01-31.

Conditions:
Hereditary cancer-predisposing syndrome. Also called: Hereditary neoplastic syndrome; Tumor predisposition; Neoplastic Syndromes, Hereditary; Hereditary Cancer Syndrome. Identifiers: Orphanet 140162, MedGen C0027672, MeSH D009386, MONDO:0015356.
Tuberous sclerosis syndrome (TSC). Also called: Tuberous Sclerosis Complex; Tuberous sclerosis. Identifiers: Orphanet 805, MedGen C0041341, MONDO:0001734.
Tuberous sclerosis 2 (TSC2). Identifiers: Orphanet 805, MedGen C1860707, MONDO:0013199, OMIM 613254.

Allele frequency attached by ClinVar (database versions not stated): gnomAD exomes 0.00002 and 0.00006; gnomAD 0.00003 and 0.00004; ExAC 0.00008; TOPMed 0.00005.
gnomAD v4.1: 39 of 1,609,258 alleles (0.0024%); highest among the groups gnomAD compares: East Asian, 0.0089%; no homozygotes.

Submissions (9):

Labcorp Genetics (formerly Invitae), Labcorp
Classification: Benign for Tuberous sclerosis 2. Last evaluated: 2026-01-31. Review status: criteria provided, single submitter. Criteria: Invitae Variant Classification Sherloc (09022015). Collection method: clinical testing. Allele origin: germline.

Myriad Genetics, Inc.
Classification: Likely benign for Tuberous sclerosis 2. Last evaluated: 2025-06-03. Review status: criteria provided, single submitter. Criteria: Myriad Autosomal Dominant, Autosomal Recessive and X-Linked Classification Criteria (2023). Collection method: clinical testing. Allele origin: unknown.
Comment: This variant is considered likely benign. This variant has been observed at a population frequency that is significantly greater than expected given the associated disease prevalence and penetrance.

CeGaT Center for Human Genetics Tuebingen
Classification: Likely benign. Last evaluated: 2024-11-01. Review status: criteria provided, single submitter. Criteria: CeGaT Center For Human Genetics Tuebingen Variant Classification Criteria Version 2. Collection method: clinical testing. Allele origin: germline. Affected: yes. Observed: 2 variant alleles.
Comment: TSC2: BP4, BP7

Blueprint Genetics
Classification: Likely benign. Last evaluated: 2024-08-05. Review status: criteria provided, single submitter. Criteria: ACMG Guidelines, 2015. Collection method: clinical testing. Allele origin: germline.

All of Us Research Program, National Institutes of Health
Classification: Benign for Tuberous sclerosis syndrome. Last evaluated: 2024-01-11. Review status: criteria provided, single submitter. Criteria: ACMG Guidelines, 2015. Collection method: clinical testing. Allele origin: germline. Inheritance: Autosomal dominant inheritance. Observed: 8 variant alleles, 8 heterozygotes.
Comment: This study involves interpretation of variants in research participants for the purpose of population health screening. Participant phenotype was not available at the time of variant classification. Additional details can be found in publication PMID: 35346344, PMCID: PMC8962531

Color Diagnostics, LLC DBA Color Health
Classification: Benign for Tuberous sclerosis syndrome. Last evaluated: 2022-10-07. Review status: criteria provided, single submitter. Criteria: ACMG Guidelines, 2015. Collection method: clinical testing. Allele origin: germline.

Genome-Nilou Lab
Classification: Benign for Tuberous sclerosis 2. Last evaluated: 2021-11-07. Review status: criteria provided, single submitter. Criteria: ACMG Guidelines, 2015. Collection method: clinical testing. Allele origin: germline. Affected: no.

Sema4
Classification: Likely benign for Hereditary cancer-predisposing syndrome. Last evaluated: 2021-02-01. Review status: criteria provided, single submitter. Criteria: Sema4 Curation Guidelines. Collection method: curation. Allele origin: germline.

Ambry Genetics
Classification: Likely benign for Hereditary cancer-predisposing syndrome. Last evaluated: 2018-11-08. Review status: criteria provided, single submitter. Criteria: Ambry Variant Classification Scheme 2023. Collection method: clinical testing. Allele origin: germline.